The following is an entry in ClinVar:

NM_000311.5(PRNP):c.392G>T (p.Gly131Val)

Gene: PRNP (prion protein (Kanno blood group); plus strand). Cytogenetic location: 20p13.
Variant type: single nucleotide variant.
Coding change: c.392G>T on transcript NM_000311.5 (MANE Select); coding-DNA position 392, G replaced by T.
Protein change: p.Gly131Val; replaces glycine 131 with valine.
Molecular consequence: missense variant. On other transcripts: 3 prime UTR variant (1).
Genome position (GRCh38, 1-based): chr20:4,699,612, G>T. VCF-style: chr20-4699612-G-T. GRCh37 (hg19) VCF-style: chr20-4680258-G-T.
Other names: c.392G>T, p.Gly131Val (NM_001080121.3, NM_001080122.3, NM_001080123.3 and 1 more transcripts); c.*81G>T (NM_001271561.3); short protein forms G131V.
Identifiers: ClinVar variation 13410 (VCV000013410.12), dbSNP rs74315410, ClinGen allele CA256784.

ClinVar aggregate classification (germline): Pathogenic/Likely pathogenic. Review status: criteria provided, multiple submitters, no conflicts (2 of 4 stars). 3 submissions from 3 submitters: Pathogenic (1); Likely pathogenic (1). 1 of the submissions does not count toward it. Last evaluated 2023-10-16.

Conditions:
Gerstmann-Straussler-Scheinker syndrome (GSD). Also called: Spongiform encephalopathy; Cerebellar ataxia, progressive dementia, and amyloid deposits in the central nervous system; Encephalopathy subacute spongiform Gerstmann-Straussler type; PRION DEMENTIA; GERSTMANN-STRAUSSLER DISEASE; CEREBELLAR ATAXIA, PROGRESSIVE DEMENTIA, AND AMYLOID DEPOSITS IN CNS. Identifiers: Orphanet 356, MedGen C0017495, MONDO:0007656, OMIM 137440.
Huntington disease-like 1 (HDL1). Also called: PRION DISEASE, EARLY-ONSET, WITH PROMINENT PSYCHIATRIC FEATURES; HUNTINGTON-LIKE NEURODEGENERATIVE DISORDER 1; HUNTINGTON-LIKE NEURODEGENERATIVE DISORDER, AUTOSOMAL DOMINANT. Identifiers: Orphanet 157941, MedGen C1864112, MONDO:0011299, OMIM 603218.

Allele frequency attached by ClinVar (database versions not stated): gnomAD exomes below 0.00001; ExAC 0.00001.

Submissions (3):

Labcorp Genetics (formerly Invitae), Labcorp
Classification: Pathogenic for Huntington disease-like 1. Last evaluated: 2023-10-16. Review status: criteria provided, single submitter. Criteria: Invitae Variant Classification Sherloc (09022015). Collection method: clinical testing. Allele origin: germline.
Comment: This sequence change replaces glycine, which is neutral and non-polar, with valine, which is neutral and non-polar, at codon 131 of the PRNP protein (p.Gly131Val). This variant is present in population databases (rs74315410, gnomAD 0.01%). This missense change has been observed in individuals with PRNP-related conditions (PMID: 11709001, 29458424, 32986314). It has also been observed to segregate with disease in related individuals. ClinVar contains an entry for this variant (Variation ID: 13410). Advanced modeling of protein sequence and biophysical properties (such as structural, functional, and spatial information, amino acid conservation, physicochemical variation, residue mobility, and thermodynamic stability) performed at Invitae indicates that this missense variant is not expected to disrupt PRNP protein function. Experimental studies have shown that this missense change affects PRNP function (PMID: 29458424). For these reasons, this variant has been classified as Pathogenic.

Suna and Inan Kirac Foundation Neurodegeneration Research Laboratory, Koc University
Classification: Likely pathogenic for Gerstmann-Straussler-Scheinker syndrome. Last evaluated: 2023-03-21. Review status: criteria provided, single submitter. Criteria: ACMG Guidelines, 2015. Collection method: research. Allele origin: germline. Affected: yes. Observed: 1 variant allele.

OMIM
Classification: Pathogenic for GERSTMANN-STRAUSSLER DISEASE. Last evaluated: 2001-11-01. Review status: no assertion criteria provided. Collection method: literature only. Allele origin: germline. Not counted in ClinVar's aggregate classification.

Literature cited by the submitters: PubMed 11709001 (cited by Labcorp Genetics (formerly Invitae), Labcorp and OMIM); PubMed 29458424 (cited by Labcorp Genetics (formerly Invitae), Labcorp); PubMed 32986314 (cited by Labcorp Genetics (formerly Invitae), Labcorp and Suna and Inan Kirac Foundation Neurodegeneration Research Laboratory, Koc University).